The following is an entry in ClinVar:

ClinVar aggregate classification (germline): Uncertain significance. Review status: criteria provided, multiple submitters, no conflicts (2 of 4 stars). 2 submissions from 2 submitters: Uncertain significance (2). Last evaluated 2024-10-17.

Conditions:
KMT2A-related disorder. Also called: KMT2A-related condition.

gnomAD v4.1: 1 of 1,614,136 alleles (0.000062%); highest among the groups gnomAD compares: Admixed American, 0.0017%; no homozygotes.

Submissions (2):

Labcorp Genetics (formerly Invitae), Labcorp
Classification: Uncertain significance. Last evaluated: 2024-10-17. Review status: criteria provided, single submitter. Criteria: Invitae Variant Classification Sherloc (09022015). Collection method: clinical testing. Allele origin: germline.
Comment: This sequence change replaces aspartic acid, which is acidic and polar, with valine, which is neutral and non-polar, at codon 2469 of the KMT2A protein (p.Asp2469Val). This variant is not present in population databases (gnomAD no frequency). This variant has not been reported in the literature in individuals affected with KMT2A-related conditions. ClinVar contains an entry for this variant (Variation ID: 2628488). Invitae Evidence Modeling of protein sequence and biophysical properties (such as structural, functional, and spatial information, amino acid conservation, physicochemical variation, residue mobility, and thermodynamic stability) indicates that this missense variant is not expected to disrupt KMT2A protein function with a negative predictive value of 95%. In summary, the available evidence is currently insufficient to determine the role of this variant in disease. Therefore, it has been classified as a Variant of Uncertain Significance.

PreventionGenetics, part of Exact Sciences
Classification: Uncertain significance for KMT2A-related condition. Last evaluated: 2023-04-03. Review status: criteria provided, single submitter. Criteria: ACMG Guidelines, 2015. Collection method: clinical testing. Allele origin: germline.
Comment: The KMT2A c.7406A>T variant is predicted to result in the amino acid substitution p.Asp2469Val. To our knowledge, this variant has not been reported in the literature or in a large population database, indicating this variant is rare. At this time, the clinical significance of this variant is uncertain due to the absence of conclusive functional and genetic evidence.

NM_001197104.2(KMT2A):c.7406A>T (p.Asp2469Val)

Gene: KMT2A (lysine methyltransferase 2A; plus strand). Cytogenetic location: 11q23.3.
Variant type: single nucleotide variant.
Coding change: c.7406A>T on transcript NM_001197104.2 (MANE Select); coding-DNA position 7406, A replaced by T.
Protein change: p.Asp2469Val; replaces aspartic acid 2469 with valine.
Molecular consequence: missense variant.
Genome position (GRCh38, 1-based): chr11:118,503,298, A>T. VCF-style: chr11-118503298-A-T. GRCh37 (hg19) VCF-style: chr11-118374013-A-T.
Other names: c.7496A>T, p.Asp2499Val (NM_001412597.1); c.7397A>T, p.Asp2466Val (NM_005933.4); short protein forms D2466V, D2469V, D2499V.
Identifiers: ClinVar variation 2628488 (VCV002628488.3), dbSNP rs2496998415, ClinGen allele CA382805445.